The following is an entry in ClinVar:

NM_019066.5(MAGEL2):c.1003C>A (p.Pro335Thr)

Gene: MAGEL2 (MAGE family member L2; minus strand). Cytogenetic location: 15q11.2.
Variant type: single nucleotide variant.
Coding change: c.1003C>A on transcript NM_019066.5 (MANE Select); coding-DNA position 1003, C replaced by A.
Protein change: p.Pro335Thr; replaces proline 335 with threonine.
Molecular consequence: missense variant.
Genome position (GRCh38, 1-based): chr15:23,646,740, G>T on the plus strand (C>A on the coding strand, the complement: MAGEL2 is on the minus strand). VCF-style: chr15-23646740-G-T. GRCh37 (hg19) VCF-style: chr15-23891887-G-T.
Other names: c.1003C>A (NM_019066.4); short protein forms P335T.
Identifiers: ClinVar variation 4703703 (VCV004703703.2).

ClinVar aggregate classification (germline): Uncertain significance. Review status: criteria provided, multiple submitters, no conflicts (2 of 4 stars). 2 submissions from 2 submitters: Uncertain significance (2). Last evaluated 2026-01-27.

Conditions:
MAGEL2-related disorder. Also called: MAGEL2-related condition.

gnomAD v4.1: 3 of 1,534,592 alleles (0.0002%); highest among the groups gnomAD compares: Non-Finnish European, 0.00026%; no homozygotes.

Submissions (2):

Labcorp Genetics (formerly Invitae), Labcorp
Classification: Uncertain significance. Last evaluated: 2026-01-27. Review status: criteria provided, single submitter. Criteria: Invitae Variant Classification Sherloc (09022015). Collection method: clinical testing. Allele origin: germline.
Comment: This sequence change replaces proline, which is neutral and non-polar, with threonine, which is neutral and polar, at codon 335 of the MAGEL2 protein (p.Pro335Thr). This variant is not present in population databases (gnomAD no frequency). This variant has not been reported in the literature in individuals affected with MAGEL2-related conditions. Experimental studies and prediction algorithms are not available or were not evaluated, and the functional significance of this variant is currently unknown. In summary, the available evidence is currently insufficient to determine the role of this variant in disease. Therefore, it has been classified as a Variant of Uncertain Significance.

PreventionGenetics, part of Exact Sciences
Classification: Uncertain significance for MAGEL2-related condition. Last evaluated: 2025-09-23. Review status: criteria provided, single submitter. Criteria: ACMG Guidelines, 2015. Collection method: clinical testing. Allele origin: germline.
Comment: The MAGEL2 c.1003C>A variant is predicted to result in the amino acid substitution p.Pro335Thr. To our knowledge, this variant has not been reported in the literature or in a large population database (gnomAD), indicating this variant is rare. At this time, the clinical significance of this variant is uncertain due to the absence of conclusive functional and genetic evidence.